The following is an entry in ClinVar:

NM_018418.5(SPATA7):c.477_478del (p.Leu161fs)

Gene: SPATA7 (spermatogenesis associated 7; plus strand). Cytogenetic location: 14q31.3.
Variant type: Deletion.
Coding change: c.477_478del on transcript NM_018418.5 (MANE Select); coding-DNA positions 477 to 478, 2 bases deleted (AA; older notation c.477_478delAA).
Protein change: p.Leu161fs; shifts the reading frame from leucine 161.
Molecular consequence: frameshift variant.
Genome position (GRCh38, 1-based): chr14:88,426,336-88,426,337, AA deleted. VCF-style (leftmost placement, unchanged base first): chr14-88426335-TAA-T. GRCh37 (hg19) VCF-style: chr14-88892679-TAA-T.
Other names: c.381_382del, p.Leu129fs (NM_001040428.4); short protein forms L129fs, L161fs.
Identifiers: ClinVar variation 2100961 (VCV002100961.4), dbSNP rs2504237386, ClinGen allele CA2580088909.

ClinVar aggregate classification (germline): Pathogenic (1 of 4 stars; one submission).

Conditions:
Leber congenital amaurosis 3 (LCA3). Also called: SPATA7-Related Retinitis Pigmentosa. Identifiers: MedGen C1858677, MONDO:0011415, OMIM 604232.

Submission:

Labcorp Genetics (formerly Invitae), Labcorp
Classification: Pathogenic for Leber congenital amaurosis 3. Last evaluated: 2022-02-21. Review status: criteria provided, single submitter. Criteria: Invitae Variant Classification Sherloc (09022015). Collection method: clinical testing. Allele origin: germline.
Comment: For these reasons, this variant has been classified as Pathogenic. This variant has not been reported in the literature in individuals affected with SPATA7-related conditions. This variant is not present in population databases (gnomAD no frequency). This sequence change creates a premature translational stop signal (p.Leu161Thrfs*2) in the SPATA7 gene. It is expected to result in an absent or disrupted protein product. Loss-of-function variants in SPATA7 are known to be pathogenic (PMID: 19268277, 22334370, 23847139, 26047050, 26261414).

Literature cited by the submitters: PubMed 19268277; PubMed 22334370; PubMed 23847139; PubMed 26047050; PubMed 26261414.